The following is an entry in ClinVar:

ClinVar aggregate classification (germline): Uncertain significance (1 of 4 stars; one submission).

Conditions:
Neutropenia, severe congenital, 2, autosomal dominant. Identifiers: Orphanet 486, MedGen C2751288, MONDO:0013139, OMIM 613107.

Submission:

Labcorp Genetics (formerly Invitae), Labcorp
Classification: Uncertain significance for Neutropenia, severe congenital, 2, autosomal dominant. Last evaluated: 2025-05-08. Review status: criteria provided, single submitter. Criteria: Invitae Variant Classification Sherloc (09022015). Collection method: clinical testing. Allele origin: germline.
Comment: This sequence change replaces proline, which is neutral and non-polar, with leucine, which is neutral and non-polar, at codon 95 of the GFI1 protein (p.Pro95Leu). This variant is not present in population databases (gnomAD no frequency). This variant has not been reported in the literature in individuals affected with GFI1-related conditions. Invitae Evidence Modeling of protein sequence and biophysical properties (such as structural, functional, and spatial information, amino acid conservation, physicochemical variation, residue mobility, and thermodynamic stability) indicates that this missense variant is not expected to disrupt GFI1 protein function with a negative predictive value of 80%. In summary, the available evidence is currently insufficient to determine the role of this variant in disease. Therefore, it has been classified as a Variant of Uncertain Significance.

NM_005263.5(GFI1):c.284C>T (p.Pro95Leu)

Gene: GFI1 (growth factor independent 1 transcriptional repressor; minus strand). Cytogenetic location: 1p22.1.
Variant type: single nucleotide variant.
Coding change: c.284C>T on transcript NM_005263.5 (MANE Select); coding-DNA position 284, C replaced by T.
Protein change: p.Pro95Leu; replaces proline 95 with leucine.
Molecular consequence: missense variant.
Genome position (GRCh38, 1-based): chr1:92,482,878, G>A on the plus strand (C>T on the coding strand, the complement: GFI1 is on the minus strand). VCF-style: chr1-92482878-G-A. GRCh37 (hg19) VCF-style: chr1-92948435-G-A.
Other names: c.284C>T, p.Pro95Leu (NM_001127215.3, NM_001127216.3); short protein forms P95L.
Identifiers: ClinVar variation 4804290 (VCV004804290.1).
Genomic context (GRCh38, chr1:92,482,878, plus strand): 5'-CGGGTCCCTGCAGCTCCCGCCCAAGAGGTTCCCAGTGGGTTCCTACCTGGAGACGCGGAG[G>A]GTGACGGGGGCCTCCAGAAGTCCTCAAACTCCGAGCTCCGTTCGCAGACGCTGCCTTCGC-3'
Protein context (NP_005254.2, residues 85-105): EFEDFWRPPS[Pro95Leu]SASPASEKSM